The following is an entry in ClinVar:

NM_001384140.1(PCDH15):c.2290C>T (p.Arg764Cys)

Gene: PCDH15 (protocadherin related 15; minus strand). Cytogenetic location: 10q21.1.
Variant type: single nucleotide variant.
Coding change: c.2290C>T on transcript NM_001384140.1 (MANE Select); coding-DNA position 2290, C replaced by T.
Protein change: p.Arg764Cys; replaces arginine 764 with cysteine.
Molecular consequence: missense variant.
Genome position (GRCh38, 1-based): chr10:54,023,128, G>A on the plus strand (C>T on the coding strand, the complement: PCDH15 is on the minus strand). VCF-style: chr10-54023128-G-A. GRCh37 (hg19) VCF-style: chr10-55782888-G-A.
Other names: c.2305C>T, p.Arg769Cys (NM_001142763.2, NM_001142771.2); c.2290C>T, p.Arg764Cys (NM_001142764.2, NM_001142766.2, NM_001142770.3 and 5 more transcripts); c.2077C>T, p.Arg693Cys (NM_001142765.2); c.2179C>T, p.Arg727Cys (NM_001142767.2); c.2224C>T, p.Arg742Cys (NM_001142768.2, NM_001142773.2, NM_001354404.2); c.2326C>T, p.Arg776Cys (NM_001142769.4); c.2311C>T, p.Arg771Cys (NM_001354411.2); short protein forms R764C, R693C, R769C, R771C, R727C, R742C, R776C.
Identifiers: ClinVar variation 164919 (VCV000164919.30), dbSNP rs192813057, ClinGen allele CA177592.

ClinVar aggregate classification (germline): Conflicting classifications of pathogenicity. Review status: criteria provided, conflicting classifications (1 of 4 stars). 11 submissions from 11 submitters: Uncertain significance (8); Likely benign (2). 1 of the submissions does not count toward it. Last evaluated 2026-03-27.

Conditions:
PCDH15-related disorder. Also called: PCDH15-related condition; PCDH15-related disorders.
Autosomal recessive nonsyndromic hearing loss 23. Identifiers: Orphanet 90636, MedGen C1836027, MONDO:0012293, OMIM 609533.
Usher syndrome type 1D (USH1D). Also called: USHER SYNDROME, TYPE ID. Identifiers: Orphanet 231169, Orphanet 886, MedGen C1832845, MONDO:0010984, OMIM 601067.
Usher syndrome type 1F (USH1F). Also called: USHER SYNDROME, TYPE IF. Identifiers: Orphanet 231169, Orphanet 886, MedGen C1865885, MONDO:0011186, OMIM 602083.
Usher syndrome type 1 (USH1). Also called: RETINITIS PIGMENTOSA AND CONGENITAL DEAFNESS. Identifiers: Orphanet 231169, Orphanet 886, MedGen C1568247, MONDO:0010168, OMIM 276900.

Allele frequency attached by ClinVar (database versions not stated): 1000 Genomes Project 30x 0.00031; TOPMed 0.00034; gnomAD exomes 0.00037; ESP Exome Variant Server 0.00038; gnomAD 0.00038 and 0.00039; 1000 Genomes Project 0.00040; ExAC 0.00051.

Submissions (11):

PreventionGenetics, part of Exact Sciences
Classification: Uncertain significance for PCDH15-related condition. Last evaluated: 2026-03-27. Review status: criteria provided, single submitter. Criteria: ACMG Guidelines, 2015. Collection method: clinical testing. Allele origin: germline.
Comment: The PCDH15 c.2290C>T variant is predicted to result in the amino acid substitution p.Arg764Cys. To our knowledge, this variant has not been reported in the literature. This variant is reported in 0.059% of alleles in individuals of European (Non-Finnish) descent in gnomAD, which may be too frequent to be a primary cause of disease. Although we suspect that this variant may be benign, at this time, the clinical significance of this variant is uncertain due to the absence of conclusive functional and genetic evidence.

CeGaT Center for Human Genetics Tuebingen
Classification: Likely benign. Last evaluated: 2026-02-01. Review status: criteria provided, single submitter. Criteria: CeGaT Center For Human Genetics Tuebingen Variant Classification Criteria Version 2. Collection method: clinical testing. Allele origin: germline. Affected: yes. Observed: 1 variant allele.
Comment: PCDH15: BP4

Labcorp Genetics (formerly Invitae), Labcorp
Classification: Likely benign. Last evaluated: 2026-01-24. Review status: criteria provided, single submitter. Criteria: Invitae Variant Classification Sherloc (09022015). Collection method: clinical testing. Allele origin: germline.

GeneDx
Classification: Uncertain significance. Last evaluated: 2025-08-13. Review status: criteria provided, single submitter. Criteria: GeneDx Variant Classification Process June 2021. Collection method: clinical testing. Allele origin: germline. Affected: yes.
Comment: Reported in a study of adults with persistent ADHD and also present in controls (PMID: 30116028); In silico analysis supports that this missense variant has a deleterious effect on protein structure/function; This variant is associated with the following publications: (PMID: 30116028)

Blueprint Genetics
Classification: Uncertain significance. Last evaluated: 2024-11-07. Review status: criteria provided, single submitter. Criteria: ACMG Guidelines, 2015. Collection method: clinical testing. Allele origin: germline.

Women's Health and Genetics/Laboratory Corporation of America, LabCorp
Classification: Uncertain significance. Last evaluated: 2023-05-04. Review status: criteria provided, single submitter. Criteria: LabCorp Variant Classification Summary - May 2015. Collection method: clinical testing. Allele origin: germline.
Comment: Variant summary: PCDH15 c.2290C>T (p.Arg764Cys) results in a non-conservative amino acid change in the encoded protein sequence. Four of five in-silico tools predict a damaging effect of the variant on protein function. The variant allele was found at a frequency of 0.00037 in 250880 control chromosomes in the gnomAD database, including 1 homozygotes. This frequency is not significantly higher than estimated for a pathogenic variant in PCDH15 causing Usher Syndrome Type 1F (0.00037 vs 0.0032), allowing no conclusion about variant significance. To our knowledge, no occurrence of c.2290C>T in individuals affected with Usher Syndrome Type 1F and no experimental evidence demonstrating its impact on protein function have been reported. Six clinical diagnostic laboratories have submitted clinical-significance assessments for this variant to ClinVar after 2014 and classified as VUS (n=5) and Benign (n=1). Based on the evidence outlined above, the variant was classified as uncertain significance.

Athena Diagnostics
Classification: Uncertain significance. Last evaluated: 2022-04-01. Review status: criteria provided, single submitter. Criteria: Athena Diagnostics Criteria. Collection method: clinical testing. Allele origin: unknown.

Department of Pathology and Laboratory Medicine, Sinai Health System
Classification: Uncertain significance for Usher syndrome type 1D; Usher syndrome type 1F; Autosomal recessive nonsyndromic hearing loss 23. Last evaluated: 2021-07-30. Review status: criteria provided, single submitter. Criteria: ACMG Guidelines, 2015. Collection method: research. Allele origin: germline.

Illumina Laboratory Services, Illumina
Classification: Uncertain significance for Usher syndrome type 1. Last evaluated: 2017-04-28. Review status: criteria provided, single submitter. Criteria: ICSL Variant Classification Criteria 13 December 2019. Collection method: clinical testing. Allele origin: germline.

Laboratory for Molecular Medicine, Mass General Brigham Personalized Medicine
Classification: Uncertain significance. Last evaluated: 2016-01-15. Review status: criteria provided, single submitter. Criteria: LMM Criteria. Collection method: clinical testing. Allele origin: germline. Observed: 3 variant alleles.
Comment: The p.Arg764Cys variant in PCDH15 has been previously identified by our laborato ry in two individuals with hearing loss; however a variant affecting the remaini ng copy of PCDH15 was not identified in either of them. This variant has been i dentified in 50/66626 (0.08%) of European chromosomes by the Exome Aggregation C onsortium (ExAC; dbSNP rs192813057). Although th is variant has been seen in the general population, its frequency is not high en ough to rule out a pathogenic role. Computational prediction tools and conservat ion analyses do not provide strong support for or against an impact to the prote in. In summary, the clinical significance of the p.Arg764Cys variant is uncertai n.

Natera, Inc.
Classification: Uncertain significance for Usher syndrome type 1F. Last evaluated: 2020-04-17. Review status: no assertion criteria provided. Collection method: clinical testing. Allele origin: germline. Not counted in ClinVar's aggregate classification.